The following is an entry in ClinVar:

NM_001082486.2(ACD):c.1219A>G (p.Arg407Gly)

Gene: ACD (ACD shelterin complex subunit and telomerase recruitment factor; minus strand). Cytogenetic location: 16q22.1.
Variant type: single nucleotide variant.
Coding change: c.1219A>G on transcript NM_001082486.2 (MANE Select); coding-DNA position 1219, A replaced by G.
Protein change: p.Arg407Gly; replaces arginine 407 with glycine.
Molecular consequence: missense variant.
Genome position (GRCh38, 1-based): chr16:67,657,841, T>C on the plus strand (A>G on the coding strand, the complement: ACD is on the minus strand). VCF-style: chr16-67657841-T-C. GRCh37 (hg19) VCF-style: chr16-67691744-T-C.
Other names: c.1132A>G, p.Arg378Gly (NM_001410884.1); c.1210A>G, p.Arg404Gly (NM_022914.3); short protein forms R404G, R407G, R378G.
Identifiers: ClinVar variation 4740484 (VCV004740484.1).

ClinVar aggregate classification (germline): Uncertain significance (1 of 4 stars; one submission).

Conditions:
Dyskeratosis congenita, autosomal dominant 6 (DKCA6). Identifiers: Orphanet 3322, MedGen C4225284, MONDO:0014690, OMIM 616553.

Submission:

Labcorp Genetics (formerly Invitae), Labcorp
Classification: Uncertain significance for Dyskeratosis congenita, autosomal dominant 6. Last evaluated: 2025-07-21. Review status: criteria provided, single submitter. Criteria: Invitae Variant Classification Sherloc (09022015). Collection method: clinical testing. Allele origin: germline.
Comment: This sequence change replaces arginine, which is basic and polar, with glycine, which is neutral and non-polar, at codon 493 of the ACD protein (p.Arg493Gly). This variant is not present in population databases (gnomAD no frequency). This variant has not been reported in the literature in individuals affected with ACD-related conditions. Invitae Evidence Modeling of protein sequence and biophysical properties (such as structural, functional, and spatial information, amino acid conservation, physicochemical variation, residue mobility, and thermodynamic stability) indicates that this missense variant is expected to disrupt ACD protein function with a positive predictive value of 80%. In summary, the available evidence is currently insufficient to determine the role of this variant in disease. Therefore, it has been classified as a Variant of Uncertain Significance.